The following is an entry in ClinVar:

ClinVar aggregate classification (germline): Uncertain significance. Review status: criteria provided, multiple submitters, no conflicts (2 of 4 stars). 11 submissions from 11 submitters: Uncertain significance (10). 1 of the submissions does not count toward it. Last evaluated 2026-05-06.

Conditions:
BRIP1-related disorder. Also called: BRIP1-related condition; BRIP1-related disorders. Identifiers: MedGen CN239206.
Fanconi anemia complementation group J. Also called: BRIP1-Related Fanconi Anemia. Identifiers: Orphanet 84, MedGen C1836860, MONDO:0012187, OMIM 609054.
Ovarian cancer. Also called: OVARIAN CANCER, SOMATIC. Identifiers: Orphanet 213500, MedGen C1140680, MONDO:0008170, OMIM 167000.
Familial cancer of breast. Also called: hereditary breast carcinoma; BREAST CANCER, FAMILIAL; Hereditary breast cancer. Identifiers: Orphanet 227535, MedGen C0346153, MONDO:0016419, OMIM 114480. Disease mechanism: loss of function.
Hereditary cancer-predisposing syndrome. Also called: Neoplastic Syndromes, Hereditary; Tumor predisposition; Hereditary Cancer Syndrome; Hereditary neoplastic syndrome. Identifiers: Orphanet 140162, MedGen C0027672, MeSH D009386, MONDO:0015356.

Allele frequency attached by ClinVar (database versions not stated): TOPMed 0.00001; gnomAD 0.00002; gnomAD exomes 0.00002.
gnomAD v4.1: 32 of 1,614,034 alleles (0.002%); highest among the groups gnomAD compares: Non-Finnish European, 0.0025%; no homozygotes.

Submissions (11):

PreventionGenetics, part of Exact Sciences
Classification: Uncertain significance for BRIP1-related condition. Last evaluated: 2026-05-06. Review status: criteria provided, single submitter. Criteria: ACMG Guidelines, 2015. Collection method: clinical testing. Allele origin: germline.
Comment: The BRIP1 c.1759C>G variant is predicted to result in the amino acid substitution p.His587Asp. To our knowledge this variant has not been reported in individuals with BRIP1-related conditions. This variant is reported in 0.0065% of alleles in individuals of European (Non-Finnish) descent in gnomAD and is interpreted as uncertain in ClinVar (Variation ID: 233608). At this time, the clinical significance of this variant is uncertain due to the absence of conclusive functional and genetic evidence.

Labcorp Genetics (formerly Invitae), Labcorp
Classification: Uncertain significance for Familial cancer of breast; Fanconi anemia complementation group J. Last evaluated: 2026-01-13. Review status: criteria provided, single submitter. Criteria: Invitae Variant Classification Sherloc (09022015). Collection method: clinical testing. Allele origin: germline.
Comment: This sequence change replaces histidine, which is basic and polar, with aspartic acid, which is acidic and polar, at codon 587 of the BRIP1 protein (p.His587Asp). This variant is not present in population databases (gnomAD no frequency). This variant has not been reported in the literature in individuals affected with BRIP1-related conditions. ClinVar contains an entry for this variant (Variation ID: 233608). Invitae Evidence Modeling of protein sequence and biophysical properties (such as structural, functional, and spatial information, amino acid conservation, physicochemical variation, residue mobility, and thermodynamic stability) has been performed for this missense variant. However, the output from this modeling did not meet the statistical confidence thresholds required to predict the impact of this variant on BRIP1 protein function. In summary, the available evidence is currently insufficient to determine the role of this variant in disease. Therefore, it has been classified as a Variant of Uncertain Significance.

Center for Genomic Medicine, Rigshospitalet, Copenhagen University Hospital
Classification: Uncertain significance. Last evaluated: 2025-12-29. Review status: criteria provided, single submitter. Criteria: ACMG Guidelines, 2015. Collection method: clinical testing. Allele origin: germline.

Ambry Genetics
Classification: Uncertain significance for Hereditary cancer-predisposing syndrome. Last evaluated: 2025-08-10. Review status: criteria provided, single submitter. Criteria: Ambry Variant Classification Scheme 2023. Collection method: clinical testing. Allele origin: germline.

Color Diagnostics, LLC DBA Color Health
Classification: Uncertain significance for Hereditary cancer-predisposing syndrome. Last evaluated: 2025-03-11. Review status: criteria provided, single submitter. Criteria: ACMG Guidelines, 2015. Collection method: clinical testing. Allele origin: germline.
Comment: This missense variant replaces histidine with aspartic acid at codon 587 of the BRIP1 protein. Computational prediction suggests that this variant may not impact protein structure and function. To our knowledge, functional studies have not been reported for this variant. In an international breast cancer case-control meta-analysis, this variant was detected in 4/60466 cases and 4/53461 unaffected controls (PMID: 33471991). This variant has been identified in 1/31400 chromosomes in the general population by the Genome Aggregation Database (gnomAD). The available evidence is insufficient to determine the role of this variant in disease conclusively. Therefore, this variant is classified as a Variant of Uncertain Significance.

Baylor Genetics
Classification: Uncertain significance for Familial cancer of breast. Last evaluated: 2024-03-05. Review status: criteria provided, single submitter. Criteria: ACMG Guidelines, 2015. Collection method: clinical testing. Allele origin: unknown.

Quest Diagnostics Nichols Institute San Juan Capistrano
Classification: Uncertain significance. Last evaluated: 2023-10-16. Review status: criteria provided, single submitter. Criteria: Quest Diagnostics criteria. Collection method: clinical testing. Allele origin: unknown.

Myriad Genetics, Inc.
Classification: Uncertain significance for Familial cancer of breast. Last evaluated: 2023-02-27. Review status: criteria provided, single submitter. Criteria: Myriad Autosomal Dominant, Autosomal Recessive and X-Linked Classification Criteria (2023). Collection method: clinical testing. Allele origin: unknown.
Comment: This variant is classified as a variant of uncertain significance as there is insufficient evidence to determine its impact on protein function and/or cancer risk.

Sema4
Classification: Uncertain significance for Hereditary cancer-predisposing syndrome. Last evaluated: 2021-07-11. Review status: criteria provided, single submitter. Criteria: Sema4 Curation Guidelines. Collection method: curation. Allele origin: germline.
Comment: The BRIP1 c.1759C>G (p.H587D) variant has been reported in individuals with breast cancer and in ethnically matched, unaffected controls (PMID: 33471991, 26921362). It was observed in 1/15426 chromosomes in the Non-Finnish European subpopulation in the large and broad cohorts of the Genome Aggregation Database (PMID: 32461654). The variant has been reported in ClinVar (Variation ID: 233608). In silico tools suggest the impact of the variant on protein function is benign, though these predictions have not been confirmed by functional studies. The evidence is insufficient to meet ACMG/AMP criteria for classifying the variant as benign or pathogenic. Thus, the clinical significance of this variant is currently uncertain.

GeneDx
Classification: Uncertain significance. Last evaluated: 2020-11-24. Review status: criteria provided, single submitter. Criteria: GeneDx Variant Classification Process June 2021. Collection method: clinical testing. Allele origin: germline. Affected: yes.
Comment: Not observed at a significant frequency in large population cohorts (Lek 2016); In silico analysis supports that this missense variant has a deleterious effect on protein structure/function; Not observed in any breast cancer cases, but was observed in unaffected controls in published literature (Easton 2016); This variant is associated with the following publications: (PMID: 26921362)

Counsyl
Classification: Uncertain significance for Fanconi anemia complementation group J; Ovarian cancer. Last evaluated: 2017-11-15. Review status: no assertion criteria provided. Collection method: clinical testing. Allele origin: unknown. Not counted in ClinVar's aggregate classification.

Literature cited by the submitters: PubMed 33471991 (cited by 3 submitters); PubMed 26921362 (cited by 3 submitters).

NM_032043.3(BRIP1):c.1759C>G (p.His587Asp)

Gene: BRIP1 (BRCA1 interacting DNA helicase 1; minus strand). Cytogenetic location: 17q23.2.
Variant type: single nucleotide variant.
Coding change: c.1759C>G on transcript NM_032043.3 (MANE Select); coding-DNA position 1759, C replaced by G.
Protein change: p.His587Asp; replaces histidine 587 with aspartic acid.
Molecular consequence: missense variant.
Genome position (GRCh38, 1-based): chr17:61,780,875, G>C on the plus strand (C>G on the coding strand, the complement: BRIP1 is on the minus strand). VCF-style: chr17-61780875-G-C. GRCh37 (hg19) VCF-style: chr17-59858236-G-C.
Other names: short protein forms H587D.
Identifiers: ClinVar variation 233608 (VCV000233608.28), dbSNP rs876660519, ClinGen allele CA10580830.